The following is an entry in ClinVar:

NM_005559.4(LAMA1):c.2403-2A>G

Gene: LAMA1 (laminin subunit alpha 1; minus strand). Cytogenetic location: 18p11.31.
Variant type: single nucleotide variant.
Coding change: c.2403-2A>G on transcript NM_005559.4 (MANE Select); the canonical splice acceptor site of the intron before coding-DNA position 2403, A replaced by G.
Molecular consequence: splice acceptor variant.
Genome position (GRCh38, 1-based): chr18:7,024,468, T>C on the plus strand (A>G on the coding strand, the complement: LAMA1 is on the minus strand). VCF-style: chr18-7024468-T-C. GRCh37 (hg19) VCF-style: chr18-7024467-T-C.
Identifiers: ClinVar variation 3378015 (VCV003378015.2).

ClinVar aggregate classification (germline): Likely pathogenic (1 of 4 stars; one submission).

gnomAD v4.1: 5 of 1,612,844 alleles (0.00031%); highest among the groups gnomAD compares: African/African-American, 0.0027%; no homozygotes.

Submission:

GeneDx
Classification: Likely pathogenic. Last evaluated: 2026-09-21. Review status: criteria provided, single submitter. Criteria: GeneDx Variant Classification Process June 2021. Collection method: clinical testing. Allele origin: germline.
Comment: Has not been previously published as pathogenic or benign to our knowledge; Not observed at significant frequency in large population cohorts (gnomAD); Canonical splice site variant predicted to result in an in-frame loss of the adjacent exon in a gene for which loss of function is a known mechanism of disease